The following is an entry in ClinVar:

ClinVar aggregate classification (germline): Benign/Likely benign. Review status: criteria provided, multiple submitters, no conflicts (2 of 4 stars). 3 submissions from 3 submitters: Benign (1); Likely benign (2). Last evaluated 2026-07-01.

Allele frequency attached by ClinVar (database versions not stated): gnomAD exomes 0.00022; gnomAD 0.00027; TOPMed 0.00027; ESP Exome Variant Server 0.00031; ExAC 0.00035.
gnomAD v4.1: 400 of 1,613,836 alleles (0.025%); highest among the groups gnomAD compares: Middle Eastern, 0.13%; 2 homozygotes.

Submissions (3):

CeGaT Center for Human Genetics Tuebingen
Classification: Likely benign. Last evaluated: 2026-07-01. Review status: criteria provided, single submitter. Criteria: CeGaT Center For Human Genetics Tuebingen Variant Classification Criteria Version 2. Collection method: clinical testing. Allele origin: germline. Affected: yes. Observed: 3 variant alleles.
Comment: DDX11: BP4, BP7

Labcorp Genetics (formerly Invitae), Labcorp
Classification: Benign. Last evaluated: 2026-01-19. Review status: criteria provided, single submitter. Criteria: Invitae Variant Classification Sherloc (09022015). Collection method: clinical testing. Allele origin: germline.

Blueprint Genetics
Classification: Likely benign. Last evaluated: 2024-11-22. Review status: criteria provided, single submitter. Criteria: ACMG Guidelines, 2015. Collection method: clinical testing. Allele origin: germline.

NM_030653.4(DDX11):c.294C>T (p.Cys98=)

Gene: DDX11 (DEAD/H-box helicase 11; plus strand). Cytogenetic location: 12p11.21.
Variant type: single nucleotide variant.
Coding change: c.294C>T on transcript NM_030653.4 (MANE Select); coding-DNA position 294, C replaced by T.
Protein change: p.Cys98=; no amino-acid change (cysteine 98 retained).
Molecular consequence: synonymous variant. On other transcripts: 5 prime UTR variant (4), non-coding transcript variant (4), intron variant (1).
Genome position (GRCh38, 1-based): chr12:31,083,962, C>T. VCF-style: chr12-31083962-C-T. GRCh37 (hg19) VCF-style: chr12-31236896-C-T.
Other names: c.294C>T, p.Cys98= (NM_001413700.1, NM_004399.3, NM_152438.2 and 6 more transcripts); c.-235C>T (NM_001413703.1); c.-767C>T (NM_001413704.1, NM_001413705.1); c.-585C>T (NM_001413706.1); c.-230-5C>T (NM_001413702.1); c.216C>T, p.Cys72= (NM_001413697.1, NM_001413698.1, NM_001413699.1 and 1 more transcripts).
Identifiers: ClinVar variation 3239129 (VCV003239129.21), dbSNP rs141393116.